The following is an entry in ClinVar:

NM_138459.5(NUS1):c.398G>T (p.Ser133Ile)

Gene: NUS1 (NUS1 dehydrodolichyl diphosphate synthase subunit; plus strand). Cytogenetic location: 6q22.1.
Variant type: single nucleotide variant.
Coding change: c.398G>T on transcript NM_138459.5 (MANE Select); coding-DNA position 398, G replaced by T.
Protein change: p.Ser133Ile; replaces serine 133 with isoleucine.
Molecular consequence: missense variant.
Genome position (GRCh38, 1-based): chr6:117,676,068, G>T. VCF-style: chr6-117676068-G-T. GRCh37 (hg19) VCF-style: chr6-117997231-G-T.
Other names: short protein forms S133I.
Identifiers: ClinVar variation 3781166 (VCV003781166.1).

ClinVar aggregate classification (germline): Uncertain significance (1 of 4 stars; one submission).

gnomAD v4.1: 1 of 1,550,824 alleles (0.000064%); highest among the groups gnomAD compares: Non-Finnish European, 0.000087%; no homozygotes.

Submission:

GeneDx
Classification: Uncertain significance. Last evaluated: 2024-10-18. Review status: criteria provided, single submitter. Criteria: GeneDx Variant Classification Process June 2021. Collection method: clinical testing. Allele origin: germline. Affected: yes.
Comment: Not observed at significant frequency in large population cohorts (gnomAD); In silico analysis supports that this missense variant has a deleterious effect on protein structure/function; Has not been previously published as pathogenic or benign to our knowledge